The following is an entry in ClinVar:

NM_014633.5(CTR9):c.1126G>A (p.Glu376Lys)

Genes: CTR9 (CTR9 homolog, Paf1/RNA polymerase II complex component; plus strand), LOC126861140 (CDK7 strongly-dependent group 2 enhancer GRCh37_chr11:10785333-10786532; plus strand). Cytogenetic location: 11p15.4.
Variant type: single nucleotide variant.
Coding change: c.1126G>A on transcript NM_014633.5 (MANE Select); coding-DNA position 1126, G replaced by A.
Protein change: p.Glu376Lys; replaces glutamic acid 376 with lysine.
Molecular consequence: missense variant.
Genome position (GRCh38, 1-based): chr11:10,763,811, G>A. VCF-style: chr11-10763811-G-A. GRCh37 (hg19) VCF-style: chr11-10785358-G-A.
Other names: c.1126G>A, p.Glu376Lys (NM_001346279.2); c.1126G>A (NM_014633.4); short protein forms E376K.
Identifiers: ClinVar variation 224155 (VCV000224155.7), dbSNP rs869312709, ClinGen allele CA354950.

ClinVar aggregate classification (germline): Conflicting classifications of pathogenicity. Review status: criteria provided, conflicting classifications (1 of 4 stars). 3 submissions from 3 submitters: Pathogenic (1); Likely pathogenic (1); Uncertain significance (1). Last evaluated 2022-07-29.

Conditions:
CTR9-related neurodevelopmental disorder. Identifiers: MedGen CN378764, MONDO:1040006.

gnomAD v4.1: 1 of 1,613,794 alleles (0.000062%); no homozygotes.

Submissions (3):

GeneDx
Classification: Pathogenic. Last evaluated: 2022-07-29. Review status: criteria provided, single submitter. Criteria: GeneDx Variant Classification Process June 2021. Collection method: clinical testing. Allele origin: germline. Affected: yes.
Comment: In silico analysis supports that this missense variant has a deleterious effect on protein structure/function; Not observed at significant frequency in large population cohorts (gnomAD); This variant is associated with the following publications: (PMID: 28554332, 35499524)

Centre of Medical Genetics, University of Antwerp
Classification: Likely pathogenic for CTR9-related neurodevelopmental disorder. Last evaluated: 2021-04-01. Review status: criteria provided, single submitter. Criteria: ACMG Guidelines, 2015. Collection method: research. Allele origin: de novo. Affected: yes.
Comment: PS2, PM2, PP3

HudsonAlpha Institute for Biotechnology
Classification: Uncertain significance. Last evaluated: 2016-01-14. Review status: criteria provided, single submitter. Criteria: HA_assertions_20161101. Collection method: research. Allele origin: de novo. Affected: yes. Observed: 1 variant allele. Study: CSER-HudsonAlpha.